The following is an entry in ClinVar:

ClinVar aggregate classification (germline): Conflicting classifications of pathogenicity. Review status: criteria provided, conflicting classifications (1 of 4 stars). 6 submissions from 6 submitters: Pathogenic (2); Likely pathogenic (2); Uncertain significance (2). Last evaluated 2026-07-10.

Conditions:
Cardiovascular phenotype. Identifiers: MedGen CN230736.
Hypertrophic cardiomyopathy 11. Also called: ACTC1-Related Familial Hypertrophic Cardiomyopathy. Identifiers: MedGen C2677506, MONDO:0012799, OMIM 612098.
Dilated cardiomyopathy 1R (CMD1R). Identifiers: Orphanet 154, Orphanet 54260, MedGen C3150681, MONDO:0013261, OMIM 613424.
Atrial septal defect 5 (ASD5). Identifiers: Orphanet 1478, MedGen C2748552, MONDO:0013011, OMIM 612794.

Allele frequency attached by ClinVar (database versions not stated): gnomAD exomes below 0.00001.

Submissions (6):

Ambry Genetics
Classification: Likely pathogenic for Cardiovascular phenotype. Last evaluated: 2026-07-10. Review status: criteria provided, single submitter. Criteria: Ambry Variant Classification Scheme 2023. Collection method: clinical testing. Allele origin: germline.
Comment: The p.D26N variant (also known as c.76G>A), located in coding exon 1 of the ACTC1 gene, results from a G to A substitution at nucleotide position 76. The aspartic acid at codon 26 is replaced by asparagine, an amino acid with highly similar properties. This variant was identified in one or more individuals with features consistent with hypertrophic cardiomyopathy (HCM) and segregated with disease in at least one family (Walsh R et al. Genet Med, 2017 Feb;19:192-203; Bonaventura J et al. Arch Med Sci, 2019 May;15:641-649; Yang QL et al. J Cardiol, 2019 May;73:438-444; Mademont-Soler I et al. PLoS One, 2017 Aug;12:e0181465). This missense variant is located in a region that has a low rate of benign missense variation (Lek M et al. Nature. 2016 Aug 18;536(7616):285-91; DECIPHER: Database of Chromosomal Imbalance and Phenotype in Humans using Ensembl Resources. Firth H.V. et al. 2009. Am.J.Hum.Genet. 84, 524-533 (DOI)). This amino acid position is highly conserved in available vertebrate species. In addition, the in silico prediction for this alteration is inconclusive. Based on the majority of available evidence to date, this variant is likely to be pathogenic.

Labcorp Genetics (formerly Invitae), Labcorp
Classification: Pathogenic for Dilated cardiomyopathy 1R; Hypertrophic cardiomyopathy 11; Atrial septal defect 5. Last evaluated: 2025-04-13. Review status: criteria provided, single submitter. Criteria: Invitae Variant Classification Sherloc (09022015). Collection method: clinical testing. Allele origin: germline.
Comment: This sequence change replaces aspartic acid, which is acidic and polar, with asparagine, which is neutral and polar, at codon 26 of the ACTC1 protein (p.Asp26Asn). This variant is not present in population databases (gnomAD no frequency). This missense change has been observed in individuals with ACTC1-related conditions and hypertrophic cardiomyopathy (PMID: 27532257, 30600190). It has also been observed to segregate with disease in related individuals. ClinVar contains an entry for this variant (Variation ID: 177917). Invitae Evidence Modeling of protein sequence and biophysical properties (such as structural, functional, and spatial information, amino acid conservation, physicochemical variation, residue mobility, and thermodynamic stability) indicates that this missense variant is not expected to disrupt ACTC1 protein function with a negative predictive value of 80%. For these reasons, this variant has been classified as Pathogenic.

3billion
Classification: Likely pathogenic for Hypertrophic cardiomyopathy 11. Last evaluated: 2024-11-27. Review status: criteria provided, single submitter. Criteria: ACMG Guidelines, 2015. Collection method: clinical testing. Allele origin: germline. Affected: yes.
Comment: The variant is observed at an extremely low frequency in the gnomAD v4.1.0 dataset (total allele frequency: <0.001%). Predicted Consequence/Location: Missense variant In silico tool predictions suggest damaging effect of the variant on gene or gene product [REVEL: 0.74 (>=0.6, sensitivity 0.68 and specificity 0.92); 3Cnet: 0.97 (>=0.6, sensitivity 0.72 and precision 0.9)]. The same nucleotide change resulting in the same amino acid change has been previously reported as pathogenic/likely pathogenic with strong evidence (ClinVar ID: VCV000177917). Therefore, this variant is classified as Likely pathogenic according to the recommendation of ACMG/AMP guideline.

Servicio Canario de Salud, Hospital Universitario Nuestra Sra. de Candelaria
Classification: Pathogenic for Hypertrophic cardiomyopathy 11. Last evaluated: 2024-08-02. Review status: criteria provided, single submitter. Criteria: ACMG Guidelines, 2015. Collection method: clinical testing. Allele origin: germline. Inheritance: Autosomal dominant inheritance. Affected: yes. Observed: 1 heterozygote.
Comment: In our Hospital, it has been reported in another family with hypertrophic cardiomyopathy with positive segregation. This variant is present in population databases (gnomAD allele frequency 0.0000006198). This variant has been previously reported in a patients with hypertrophic cardiomyopathy [PMID 27532257, 30600190]. ClinVar contains an entry for this variant (Variation ID: 117917). In silico analysis (CADD, Revel) supports that this missense variant has a deleterious effect on protein structure/function. In summary, c.76G>A (p.Asp26Asn) ACTC1 variant meets our criteria to be classified as pathogenic based upon its absence from controls, computational evidence of pathogenicity in this family and having been widely described in relation to the patient´s phenotype.

GeneDx
Classification: Uncertain significance. Last evaluated: 2018-07-11. Review status: criteria provided, single submitter. Criteria: GeneDx Variant Classification (06012015). Collection method: clinical testing. Allele origin: germline. Affected: yes.
Comment: p.Asp26Asn (GAT>AAT):c.76 G>A in exon 2 of the ACTC1 gene (NM_005159.4). The Asp26Asn variant in the ACTC1 gene has not been reported as a disease-causing mutation or as a benign polymorphism to our knowledge. Asp26Asn results in a semi-conservative amino acid substitution of a negatively charged Aspartic acid residue with a neutral, polar Asparagine residue at a position that is conserved across species. In silico analysis predicts Asp26Asn is probably damaging to the protein structure/function. Furthermore, the NHLBI ESP Exome Variant Server reports Asp26Asn was not observed in approximately 6,500 samples from individuals of European and African American backgrounds, indicating it is not a common benign variant in these populations. Nevertheless, no mutations in surrounding residues of the ACTC1 gene have been reported in association with HCM, suggesting this region of the protein may be tolerant of change. With the clinical and molecular information available at this time, we cannot definitively determine if Asp26Asn is a disease-causing mutation or a rare benign variant. The variant is found in HCM panel(s).

Laboratory for Molecular Medicine, Mass General Brigham Personalized Medicine
Classification: Uncertain significance. Last evaluated: 2013-02-11. Review status: criteria provided, single submitter. Criteria: LMM Criteria. Collection method: clinical testing. Allele origin: germline. Observed: 4 variant alleles.
Comment: proposed classification - variant undergoing re-assessment, contact laboratory

Literature cited by the submitters: PubMed 25611685 (cited by Ambry Genetics); PubMed 27532257 (cited by Ambry Genetics and Labcorp Genetics (formerly Invitae), Labcorp); PubMed 28771489 (cited by Ambry Genetics); PubMed 30600190 (cited by Ambry Genetics and Labcorp Genetics (formerly Invitae), Labcorp); PubMed 31110529 (cited by Ambry Genetics); PubMed 19562689 (cited by Laboratory for Molecular Medicine, Mass General Brigham Personalized Medicine).

NM_005159.5(ACTC1):c.76G>A (p.Asp26Asn)

Genes: ACTC1 (actin alpha cardiac muscle 1; minus strand), GJD2-DT (GJD2 divergent transcript; plus strand). Cytogenetic location: 15q14.
Variant type: single nucleotide variant.
Coding change: c.76G>A on transcript NM_005159.5 (MANE Select); coding-DNA position 76, G replaced by A.
Protein change: p.Asp26Asn; replaces aspartic acid 26 with asparagine.
Molecular consequence: missense variant.
Genome position (GRCh38, 1-based): chr15:34,794,733, C>T on the plus strand (G>A on the coding strand, the complement: ACTC1 is on the minus strand). VCF-style: chr15-34794733-C-T. GRCh37 (hg19) VCF-style: chr15-35086934-C-T.
Other names: p.D26N:GAT>AAT; short protein forms D26N.
Identifiers: ClinVar variation 177917 (VCV000177917.16), dbSNP rs727504399, ClinGen allele CA019909.